The following is an entry in ClinVar:

NM_016955.4(SEPSECS):c.388+5G>A

Gene: SEPSECS (Sep (O-phosphoserine) tRNA:Sec (selenocysteine) tRNA synthase; minus strand). Cytogenetic location: 4p15.2.
Variant type: single nucleotide variant.
Coding change: c.388+5G>A on transcript NM_016955.4 (MANE Select); 5 bases into the intron after coding-DNA position 388, G replaced by A.
Molecular consequence: intron variant.
Genome position (GRCh38, 1-based): chr4:25,156,851, C>T on the plus strand (G>A on the coding strand, the complement: SEPSECS is on the minus strand). VCF-style: chr4-25156851-C-T. GRCh37 (hg19) VCF-style: chr4-25158473-C-T.
Identifiers: ClinVar variation 374085 (VCV000374085.6), dbSNP rs1057518887, ClinGen allele CA16043403.

ClinVar aggregate classification (germline): Conflicting classifications of pathogenicity. Review status: criteria provided, conflicting classifications (1 of 4 stars). 3 submissions from 2 submitters: Likely pathogenic (2); Uncertain significance (1). Last evaluated 2025-06-04.

Conditions:
Isolated cerebellar hypoplasia/agenesis (CHEGDD). Also called: Cerebellar hypoplasia/atrophy, epilepsy, and global developmental delay. Identifiers: Orphanet 1398, Orphanet 2246, MedGen C5231391, MONDO:0008939, OMIM 213000.
Spinal rigidity. Identifiers: MedGen C1858025, HP:0003306.
Arthrogryposis multiplex congenita (AMC). Also called: Congenital multiple arthrogryposis; Fibrous ankylosis of multiple joints; Congenital arthromyodysplasia; Myodystrophia fetalis deformans; Otto syndrome; Rocher-Sheldon syndrome. Identifiers: Orphanet 1037, MedGen C5779613, MeSH D001176, MONDO:0015168, HP:0002804.
Kyphosis. Identifiers: MedGen C0022821, HP:0002808.
Seizure. Also called: Seizures. Identifiers: MedGen C0036572, HP:0001250.
Severe global developmental delay. Also called: Severe psychomotor retardation. Identifiers: MedGen C1837397, HP:0011344.
Cerebral hypoplasia. Identifiers: MedGen C1855330, HP:0006872.
Pontocerebellar hypoplasia type 2D (PCH2D). Also called: Progressive cerebello-cerebral atrophy. Identifiers: Orphanet 247198, Orphanet 2524, MedGen C3151140, MONDO:0013438, OMIM 613811.

Submissions (3):

Dasa
Classification: Uncertain significance. Last evaluated: 2025-06-04. Review status: criteria provided, single submitter. Criteria: DASA Assertion Criteria. Collection method: clinical testing. Allele origin: germline.
Comment: NM_016955.4(SEPSECS):c.388+5G>A is a splice-region variant. This variant affects a splice-region context with prior evidence supporting clinical relevance. This variant is rare in population databases. Computational prediction algorithms are consistent with a deleterious effect. The currently available literature and clinical evidence are not sufficient to establish a definitive association between this variant and the reported condition. Therefore, this variant is classified as a variant of uncertain significance.

Centre for Mendelian Genomics, University Medical Centre Ljubljana
Classification: Likely pathogenic for Pontocerebellar hypoplasia type 2D. Last evaluated: 2016-01-01. Review status: criteria provided, single submitter. Criteria: ACMG Guidelines, 2015. Collection method: clinical testing. Allele origin: unknown. Affected: yes.
Comment: This variant was classified as: Likely pathogenic. This variant was detected in homozygous state.

Centre for Mendelian Genomics, University Medical Centre Ljubljana
Classification: Likely pathogenic for Arthrogryposis multiplex congenita; Cerebellar hypoplasia; Cerebral hypoplasia; Kyphosis; Seizure; Severe global developmental delay; Spinal rigidity. Last evaluated: 2014-09-06. Review status: criteria provided, single submitter. Criteria: ACMG Guidelines, 2015. Collection method: clinical testing. Allele origin: unknown. Affected: yes.